The following is an entry in ClinVar:

NM_001378452.1(ITPR1):c.4289T>C (p.Ile1430Thr)

Gene: ITPR1 (inositol 1,4,5-trisphosphate receptor type 1; plus strand). Cytogenetic location: 3p26.1.
Variant type: single nucleotide variant.
Coding change: c.4289T>C on transcript NM_001378452.1 (MANE Select); coding-DNA position 4289, T replaced by C.
Protein change: p.Ile1430Thr; replaces isoleucine 1430 with threonine.
Molecular consequence: missense variant.
Genome position (GRCh38, 1-based): chr3:4,697,154, T>C. VCF-style: chr3-4697154-T-C. GRCh37 (hg19) VCF-style: chr3-4738838-T-C.
Other names: c.4262T>C, p.Ile1421Thr (NM_001099952.4); c.4244T>C, p.Ile1415Thr (NM_001168272.2); c.4217T>C, p.Ile1406Thr (NM_002222.7); short protein forms I1406T, I1415T, I1421T, I1430T.
Identifiers: ClinVar variation 4811704 (VCV004811704.1).

ClinVar aggregate classification (germline): Uncertain significance (1 of 4 stars; one submission).

gnomAD v4.1: 2 of 1,610,406 alleles (0.00012%); highest among the groups gnomAD compares: Admixed American, 0.0017%; no homozygotes.

Submission:

Labcorp Genetics (formerly Invitae), Labcorp
Classification: Uncertain significance. Last evaluated: 2025-03-09. Review status: criteria provided, single submitter. Criteria: Invitae Variant Classification Sherloc (09022015). Collection method: clinical testing. Allele origin: germline.
Comment: This sequence change replaces isoleucine, which is neutral and non-polar, with threonine, which is neutral and polar, at codon 1406 of the ITPR1 protein (p.Ile1406Thr). The frequency data for this variant in the population databases is considered unreliable, as metrics indicate poor data quality at this position in the gnomAD database. This variant has not been reported in the literature in individuals affected with ITPR1-related conditions. Invitae Evidence Modeling of protein sequence and biophysical properties (such as structural, functional, and spatial information, amino acid conservation, physicochemical variation, residue mobility, and thermodynamic stability) indicates that this missense variant is not expected to disrupt ITPR1 protein function with a negative predictive value of 95%. In summary, the available evidence is currently insufficient to determine the role of this variant in disease. Therefore, it has been classified as a Variant of Uncertain Significance.